The following is an entry in ClinVar:

ClinVar aggregate classification (germline): Uncertain significance (1 of 4 stars; one submission).

Conditions:
Epidermolysis bullosa simplex with nail dystrophy (EBS5D). Identifiers: MedGen C4225309, MONDO:0014661, OMIM 616487.
Epidermolysis bullosa simplex, Ogna type (EBS5A). Also called: Pidermolysis bullosa simplex 5A, Ogna type; EPIDERMOLYSIS BULLOSA SIMPLEX 5A, OGNA TYPE. Identifiers: Orphanet 79401, MedGen C0432317, MONDO:0007555, OMIM 131950.
Autosomal recessive limb-girdle muscular dystrophy type 2Q (LGMDR17). Also called: MUSCULAR DYSTROPHY, LIMB-GIRDLE, AUTOSOMAL RECESSIVE 17. Identifiers: Orphanet 254361, MedGen C3150989, MONDO:0013390, OMIM 613723.
Epidermolysis bullosa simplex 5C, with pyloric atresia (EBS5C). Also called: PLEC-Related Epidermolysis Bullosa with Pyloric Atresia; Epidermolysis bullosa simplex with pyloric atresia; PLEC1-Related Epidermolysis Bullosa with Pyloric Atresia. Identifiers: Orphanet 158684, MedGen C2677349, MONDO:0012807, OMIM 612138.
Epidermolysis bullosa simplex 5B, with muscular dystrophy (EBS5B). Also called: EPIDERMOLYSIS BULLOSA SIMPLEX AND LIMB-GIRDLE MUSCULAR DYSTROPHY; Epidermolysis bullosa simplex with muscular dystrophy. Identifiers: Orphanet 257, MedGen C2931072, MONDO:0009181, OMIM 226670.

Submission:

Labcorp Genetics (formerly Invitae), Labcorp
Classification: Uncertain significance for Autosomal recessive limb-girdle muscular dystrophy type 2Q; Epidermolysis bullosa simplex, Ogna type; Epidermolysis bullosa simplex with nail dystrophy; Epidermolysis bullosa simplex 5C, with pyloric atresia; Epidermolysis bullosa simplex 5B, with muscular dystrophy. Last evaluated: 2022-11-04. Review status: criteria provided, single submitter. Criteria: Invitae Variant Classification Sherloc (09022015). Collection method: clinical testing. Allele origin: germline.
Comment: This sequence change replaces aspartic acid, which is acidic and polar, with glycine, which is neutral and non-polar, at codon 4100 of the PLEC protein (p.Asp4100Gly). This variant is not present in population databases (gnomAD no frequency). In summary, the available evidence is currently insufficient to determine the role of this variant in disease. Therefore, it has been classified as a Variant of Uncertain Significance. Advanced modeling of protein sequence and biophysical properties (such as structural, functional, and spatial information, amino acid conservation, physicochemical variation, residue mobility, and thermodynamic stability) performed at Invitae indicates that this missense variant is not expected to disrupt PLEC protein function. ClinVar contains an entry for this variant (Variation ID: 471528). This variant has not been reported in the literature in individuals affected with PLEC-related conditions.

NM_201384.3(PLEC):c.12218A>G (p.Asp4073Gly)

Gene: PLEC (plectin; minus strand). Cytogenetic location: 8q24.3.
Variant type: single nucleotide variant.
Coding change: c.12218A>G on transcript NM_201384.3 (MANE Select); coding-DNA position 12218, A replaced by G.
Protein change: p.Asp4073Gly; replaces aspartic acid 4073 with glycine.
Molecular consequence: missense variant.
Genome position (GRCh38, 1-based): chr8:143,917,603, T>C on the plus strand (A>G on the coding strand, the complement: PLEC is on the minus strand). VCF-style: chr8-143917603-T-C. GRCh37 (hg19) VCF-style: chr8-144991771-T-C.
Other names: c.12299A>G, p.Asp4100Gly (NM_000445.5); c.12176A>G, p.Asp4059Gly (NM_201378.4); c.12152A>G, p.Asp4051Gly (NM_201379.3); c.12629A>G, p.Asp4210Gly (NM_201380.4); c.12122A>G, p.Asp4041Gly (NM_201381.3); c.12218A>G, p.Asp4073Gly (NM_201382.4); c.12230A>G, p.Asp4077Gly (NM_201383.3); short protein forms D4041G, D4073G, D4100G, D4059G, D4077G, D4051G, D4210G.
Identifiers: ClinVar variation 471528 (VCV000471528.9), dbSNP rs1554672558, ClinGen allele CA372485196.